The following is an entry in ClinVar:

ClinVar aggregate classification (germline): Benign/Likely benign. Review status: criteria provided, multiple submitters, no conflicts (2 of 4 stars). 3 submissions from 3 submitters: Benign (1); Likely benign (2). Last evaluated 2026-09-24.

Conditions:
Cardiovascular phenotype. Identifiers: MedGen CN230736.
Hereditary cancer-predisposing syndrome. Also called: Neoplastic Syndromes, Hereditary; Tumor predisposition; Hereditary Cancer Syndrome; Hereditary neoplastic syndrome. Identifiers: Orphanet 140162, MedGen C0027672, MeSH D009386, MONDO:0015356.
Neurofibromatosis, type 1 (NF1). Also called: NEUROFIBROMATOSIS, TYPE I, SOMATIC; Neurofibromatosis, type I; VON RECKLINGHAUSEN DISEASE; Peripheral type neurofibromatosis. Identifiers: Orphanet 636, MedGen C0027831, MONDO:0018975, OMIM 162200. Disease mechanism: loss of function.

Submissions (3):

Myriad Genetics, Inc.
Classification: Benign for Neurofibromatosis, type 1. Last evaluated: 2026-09-24. Review status: criteria provided, single submitter. Criteria: Myriad Autosomal Dominant, Autosomal Recessive and X-Linked Classification Criteria (2023). Collection method: clinical testing. Allele origin: unknown.
Comment: This variant is considered benign. This variant is a silent/synonymous amino acid change and it is not expected to impact splicing.

Ambry Genetics
Classification: Likely benign for Cardiovascular phenotype; Hereditary cancer-predisposing syndrome. Last evaluated: 2023-09-19. Review status: criteria provided, single submitter. Criteria: Ambry Variant Classification Scheme 2023. Collection method: clinical testing. Allele origin: germline.

Labcorp Genetics (formerly Invitae), Labcorp
Classification: Likely benign for Neurofibromatosis, type 1. Last evaluated: 2023-05-27. Review status: criteria provided, single submitter. Criteria: Invitae Variant Classification Sherloc (09022015). Collection method: clinical testing. Allele origin: germline.

NM_001042492.3(NF1):c.1308G>T (p.Ser436=)

Gene: NF1 (neurofibromin 1; plus strand). Cytogenetic location: 17q11.2.
Variant type: single nucleotide variant.
Coding change: c.1308G>T on transcript NM_001042492.3 (MANE Select); coding-DNA position 1308, G replaced by T.
Protein change: p.Ser436=; no amino-acid change (serine 436 retained).
Molecular consequence: synonymous variant.
Genome position (GRCh38, 1-based): chr17:31,206,287, G>T. VCF-style: chr17-31206287-G-T. GRCh37 (hg19) VCF-style: chr17-29533305-G-T.
Other names: c.1308G>T, p.Ser436= (NM_000267.4, NM_001128147.3).
Identifiers: ClinVar variation 1574262 (VCV001574262.10), dbSNP rs765425127, ClinGen allele CA499222381.
Genomic context (GRCh38, chr17:31,206,287, plus strand): 5'-TGTTTTTCTCTAGTCCGCATTGGATTGGTGGCCTAAGATTGATGCTGTGTATTGTCACTC[G>T]GTTGAACTTCGAAATATGTTTGGTGAAACACTTCATAAAGCAGTGCAAGGTTGTGGAGCA-3'
Protein context (NP_001035957.1, residues 426-446): WPKIDAVYCH[Ser436=]VELRNMFGET